The following is an entry in ClinVar:

NM_001042472.3(ABHD12):c.836G>A (p.Arg279His)

Gene: ABHD12 (abhydrolase domain containing 12, lysophospholipase; minus strand). Cytogenetic location: 20p11.21.
Variant type: single nucleotide variant.
Coding change: c.836G>A on transcript NM_001042472.3 (MANE Select); coding-DNA position 836, G replaced by A.
Protein change: p.Arg279His; replaces arginine 279 with histidine.
Molecular consequence: missense variant.
Genome position (GRCh38, 1-based): chr20:25,307,997, C>T on the plus strand (G>A on the coding strand, the complement: ABHD12 is on the minus strand). VCF-style: chr20-25307997-C-T. GRCh37 (hg19) VCF-style: chr20-25288633-C-T.
Other names: c.836G>A, p.Arg279His (NM_015600.5); short protein forms R279H.
Identifiers: ClinVar variation 385607 (VCV000385607.7), dbSNP rs180761451, ClinGen allele CA9795966.

ClinVar aggregate classification (germline): Uncertain significance. Review status: criteria provided, multiple submitters, no conflicts (2 of 4 stars). 2 submissions from 2 submitters: Uncertain significance (2). Last evaluated 2023-10-11.

Conditions:
PHARC syndrome. Also called: Polyneuropathy-hearing loss-ataxia-retinitis pigmentosa-cataract syndrome. Identifiers: Orphanet 171848, MedGen C2675204, MONDO:0012984, OMIM 612674.

Allele frequency attached by ClinVar (database versions not stated): gnomAD 0.00001 and 0.00003; TOPMed 0.00003; gnomAD exomes 0.00004; ExAC 0.00007; 1000 Genomes Project 30x 0.00016; 1000 Genomes Project 0.00020.
gnomAD v4.1: 121 of 1,609,180 alleles (0.0075%); highest among the groups gnomAD compares: East Asian, 0.23%; 1 homozygote.

Submissions (2):

GeneDx
Classification: Uncertain significance. Last evaluated: 2023-10-11. Review status: criteria provided, single submitter. Criteria: GeneDx Variant Classification Process June 2021. Collection method: clinical testing. Allele origin: germline. Affected: yes.
Comment: In silico analysis supports that this missense variant does not alter protein structure/function; Has not been previously published as pathogenic or benign to our knowledge

Illumina Laboratory Services, Illumina
Classification: Uncertain significance for PHARC syndrome. Last evaluated: 2018-01-13. Review status: criteria provided, single submitter. Criteria: ICSL Variant Classification Criteria 13 December 2019. Collection method: clinical testing. Allele origin: germline.